The following continues an entry in ClinVar:

NM_001267550.2(TTN):c.100447G>C (p.Glu33483Gln)

ClinVar aggregate classification (germline): Conflicting classifications of pathogenicity. Uncertain significance (13); Benign (2); Likely benign (5).

Submissions 15 to 24 of 24:

Illumina Laboratory Services, Illumina
Classification: Uncertain significance for Dilated cardiomyopathy 1G. Last evaluated: 2018-01-12. Review status: criteria provided, single submitter. Criteria: ICSL Variant Classification Criteria 13 December 2019. Collection method: clinical testing. Allele origin: germline.

Illumina Laboratory Services, Illumina
Classification: Benign for Tibial muscular dystrophy. Last evaluated: 2018-01-12. Review status: criteria provided, single submitter. Criteria: ICSL Variant Classification Criteria 13 December 2019. Collection method: clinical testing. Allele origin: germline.
Comment: This variant was observed in the ICSL laboratory as part of a predisposition screen in an ostensibly healthy population. It had not been previously curated by ICSL or reported in the Human Gene Mutation Database (HGMD: prior to June 1st, 2018), and was therefore a candidate for classification through an automated scoring system. Utilizing variant allele frequency, disease prevalence and penetrance estimates, and inheritance mode, an automated score was calculated to assess if this variant is too frequent to cause the disease. Based on the score and internal cut-off values, a variant classified as benign is not then subjected to further curation. The score for this variant resulted in a classification of benign for this disease.

Illumina Laboratory Services, Illumina
Classification: Uncertain significance for Early-onset myopathy with fatal cardiomyopathy. Last evaluated: 2018-01-12. Review status: criteria provided, single submitter. Criteria: ICSL Variant Classification Criteria 13 December 2019. Collection method: clinical testing. Allele origin: germline.

Illumina Laboratory Services, Illumina
Classification: Uncertain significance for Autosomal recessive limb-girdle muscular dystrophy type 2J. Last evaluated: 2018-01-12. Review status: criteria provided, single submitter. Criteria: ICSL Variant Classification Criteria 13 December 2019. Collection method: clinical testing. Allele origin: germline.

Illumina Laboratory Services, Illumina
Classification: Benign for Myopathy, myofibrillar, 9, with early respiratory failure. Last evaluated: 2018-01-12. Review status: criteria provided, single submitter. Criteria: ICSL Variant Classification Criteria 13 December 2019. Collection method: clinical testing. Allele origin: germline.
Comment: the same text as in the submission from Illumina Laboratory Services, Illumina above.

Labcorp Genetics (formerly Invitae), Labcorp
Classification: Uncertain significance for Dilated cardiomyopathy 1G; Autosomal recessive limb-girdle muscular dystrophy type 2J. Last evaluated: 2017-11-28. Review status: criteria provided, single submitter. Criteria: Invitae Variant Classification Sherloc (09022015). Collection method: clinical testing. Allele origin: germline.

Clinical Genetics DNA and cytogenetics Diagnostics Lab, Erasmus MC, Erasmus Medical Center
Classification: Likely benign. Review status: no assertion criteria provided. Collection method: clinical testing. Allele origin: germline. Affected: yes. Study: VKGL Data-share Consensus. Not counted in ClinVar's aggregate classification.

Diagnostic Laboratory, Department of Genetics, University Medical Center Groningen
Classification: Likely benign. Review status: no assertion criteria provided. Collection method: clinical testing. Allele origin: germline. Affected: yes. Study: VKGL Data-share Consensus. Not counted in ClinVar's aggregate classification.

Genome Diagnostics Laboratory, University Medical Center Utrecht
Classification: Likely benign. Review status: no assertion criteria provided. Collection method: clinical testing. Allele origin: germline. Affected: yes. Study: VKGL Data-share Consensus. Not counted in ClinVar's aggregate classification.

Joint Genome Diagnostic Labs from Nijmegen and Maastricht, Radboudumc and MUMC+
Classification: Likely benign. Review status: no assertion criteria provided. Collection method: clinical testing. Allele origin: germline. Affected: yes. Study: VKGL Data-share Consensus. Not counted in ClinVar's aggregate classification.

Literature cited by the submitters: PubMed 26272908 (cited by 3 submitters); PubMed 29961767 (cited by Athena Diagnostics and Women's Health and Genetics/Laboratory Corporation of America, LabCorp); PubMed 28750076 (cited by Athena Diagnostics and Women's Health and Genetics/Laboratory Corporation of America, LabCorp); PubMed 26498160 (cited by Women's Health and Genetics/Laboratory Corporation of America, LabCorp).